The following is an entry in ClinVar:

ClinVar aggregate classification (germline): Uncertain significance. Review status: criteria provided, multiple submitters, no conflicts (2 of 4 stars). 2 submissions from 2 submitters: Uncertain significance (2). Last evaluated 2025-08-22.

Conditions:
Malignant hyperthermia, susceptibility to, 1 (MHS1). Also called: Anesthesia related hyperthermia; Malignant hyperpyrexia; Fulminating hyperpyrexia; Pharmacogenic myopathy; Malignant hyperthermia suceptibility 1; RYR1-Related Malignant Hyperthermia Susceptibility. Identifiers: Orphanet 423, MedGen C2930980, MONDO:0007783, OMIM 145600.

gnomAD v4.1: 3 of 1,613,700 alleles (0.00019%); highest among the groups gnomAD compares: Admixed American, 0.0017%; no homozygotes.

Submissions (2):

Color Diagnostics, LLC DBA Color Health
Classification: Uncertain significance for Malignant hyperthermia, susceptibility to, 1. Last evaluated: 2025-08-22. Review status: criteria provided, single submitter. Criteria: ACMG Guidelines, 2015. Collection method: clinical testing. Allele origin: germline.
Comment: This missense variant replaces histidine with glutamine at codon 2520 of the RYR1 protein. Computational prediction is inconclusive regarding the impact of this variant on protein structure and function. To our knowledge, functional studies have not been reported for this variant. This variant has not been reported in individuals affected with RYR1-related disorders in the literature. This variant has been identified in 2/250122 chromosomes in the general population by the Genome Aggregation Database (gnomAD). The available evidence is insufficient to determine the role of this variant in disease conclusively. Therefore, this variant is classified as a Variant of Uncertain Significance.

GeneDx
Classification: Uncertain significance. Last evaluated: 2024-05-01. Review status: criteria provided, single submitter. Criteria: GeneDx Variant Classification Process June 2021. Collection method: clinical testing. Allele origin: germline. Affected: yes.
Comment: Not observed at significant frequency in large population cohorts (gnomAD); In silico analysis supports that this missense variant has a deleterious effect on protein structure/function; In silico analysis suggests this variant may impact gene splicing. In the absence of RNA/functional studies, the actual effect of this sequence change is unknown.; Has not been previously published as pathogenic or benign to our knowledge

NM_000540.3(RYR1):c.7560C>G (p.His2520Gln)

Gene: RYR1 (ryanodine receptor 1; plus strand). Cytogenetic location: 19q13.2.
Variant type: single nucleotide variant.
Coding change: c.7560C>G on transcript NM_000540.3 (MANE Select); coding-DNA position 7560, C replaced by G.
Protein change: p.His2520Gln; replaces histidine 2520 with glutamine.
Molecular consequence: missense variant.
Genome position (GRCh38, 1-based): chr19:38,500,936, C>G. VCF-style: chr19-38500936-C-G. GRCh37 (hg19) VCF-style: chr19-38991576-C-G.
Other names: c.7560C>G, p.His2520Gln (NM_001042723.2); short protein forms H2520Q.
Identifiers: ClinVar variation 3372270 (VCV003372270.2).